The following is an entry in ClinVar:

ClinVar aggregate classification (germline): Uncertain significance (1 of 4 stars; one submission).

Submission:

GeneDx
Classification: Uncertain significance. Last evaluated: 2026-01-27. Review status: criteria provided, single submitter. Criteria: GeneDx Variant Classification Process June 2021. Collection method: clinical testing. Allele origin: germline.
Comment: Not observed at significant frequency in large population cohorts (gnomAD); In silico analysis supports that this missense variant has a deleterious effect on protein structure/function; Has not been previously published as pathogenic or benign to our knowledge

NM_005618.4(DLL1):c.1070G>A (p.Gly357Asp)

Gene: DLL1 (delta like canonical Notch ligand 1; minus strand). Cytogenetic location: 6q27.
Variant type: single nucleotide variant.
Coding change: c.1070G>A on transcript NM_005618.4 (MANE Select); coding-DNA position 1070, G replaced by A.
Protein change: p.Gly357Asp; replaces glycine 357 with aspartic acid.
Molecular consequence: missense variant.
Genome position (GRCh38, 1-based): chr6:170,285,098, C>T on the plus strand (G>A on the coding strand, the complement: DLL1 is on the minus strand). VCF-style: chr6-170285098-C-T. GRCh37 (hg19) VCF-style: chr6-170594186-C-T.
Other names: short protein forms G357D.
Identifiers: ClinVar variation 4891475 (VCV004891475.1).